The following is an entry in ClinVar:

ClinVar aggregate classification (germline): Uncertain significance. Review status: criteria provided, multiple submitters, no conflicts (2 of 4 stars). 2 submissions from 2 submitters: Uncertain significance (2). Last evaluated 2025-05-19.

Allele frequency attached by ClinVar (database versions not stated): TOPMed 0.00002; 1000 Genomes Project 30x 0.00016; ExAC 0.00038; gnomAD 0.00003; gnomAD exomes 0.00007.
gnomAD v4.1: 104 of 1,533,538 alleles (0.0068%); highest among the groups gnomAD compares: South Asian, 0.11%; 1 homozygote.

Submissions (2):

Ambry Genetics
Classification: Uncertain significance. Last evaluated: 2025-05-19. Review status: criteria provided, single submitter. Criteria: Ambry Variant Classification Scheme 2023. Collection method: clinical testing. Allele origin: germline.

Labcorp Genetics (formerly Invitae), Labcorp
Classification: Uncertain significance. Last evaluated: 2021-12-30. Review status: criteria provided, single submitter. Criteria: Invitae Variant Classification Sherloc (09022015). Collection method: clinical testing. Allele origin: germline.
Comment: This variant has not been reported in the literature in individuals affected with TOP1MT-related conditions. This variant is present in population databases (rs777786281, gnomAD 0.1%), and has an allele count higher than expected for a pathogenic variant. This sequence change replaces alanine, which is neutral and non-polar, with valine, which is neutral and non-polar, at codon 12 of the TOP1MT protein (p.Ala12Val). Algorithms developed to predict the effect of missense changes on protein structure and function output the following: SIFT: "Tolerated"; PolyPhen-2: "Not Available"; Align-GVGD: "Class C0". The valine amino acid residue is found in multiple mammalian species, which suggests that this missense change does not adversely affect protein function. In summary, the available evidence is currently insufficient to determine the role of this variant in disease. Therefore, it has been classified as a Variant of Uncertain Significance.

NM_052963.3(TOP1MT):c.35C>T (p.Ala12Val)

Gene: TOP1MT (DNA topoisomerase I mitochondrial; minus strand). Cytogenetic location: 8q24.3.
Variant type: single nucleotide variant.
Coding change: c.35C>T on transcript NM_052963.3 (MANE Select); coding-DNA position 35, C replaced by T.
Protein change: p.Ala12Val; replaces alanine 12 with valine.
Molecular consequence: missense variant. On other transcripts: intron variant (2).
Genome position (GRCh38, 1-based): chr8:143,334,827, G>A on the plus strand (C>T on the coding strand, the complement: TOP1MT is on the minus strand). VCF-style: chr8-143334827-G-A. GRCh37 (hg19) VCF-style: chr8-144416997-G-A.
Other names: c.-172-3488C>T (NM_001258447.1, NM_001258446.1); c.35C>T (NM_052963.1); short protein forms A12V.
Identifiers: ClinVar variation 2074681 (VCV002074681.5), dbSNP rs777786281, ClinGen allele CA4909060.